The following is an entry in ClinVar:

NM_138792.4(LEO1):c.1499C>T (p.Thr500Ile)

Gene: LEO1 (LEO1 homolog, Paf1/RNA polymerase II complex component; minus strand). Cytogenetic location: 15q21.2.
Variant type: single nucleotide variant.
Coding change: c.1499C>T on transcript NM_138792.4 (MANE Select); coding-DNA position 1499, C replaced by T.
Protein change: p.Thr500Ile; replaces threonine 500 with isoleucine.
Molecular consequence: missense variant.
Genome position (GRCh38, 1-based): chr15:51,951,956, G>A on the plus strand (C>T on the coding strand, the complement: LEO1 is on the minus strand). VCF-style: chr15-51951956-G-A. GRCh37 (hg19) VCF-style: chr15-52244153-G-A.
Other names: c.1319C>T, p.Thr440Ile (NM_001286430.2); c.1499C>T, p.Thr500Ile (NM_001323903.2, NM_001323904.2, NM_001426597.1 and 1 more transcripts); short protein forms T440I, T500I.
Identifiers: ClinVar variation 3907803 (VCV003907803.1).

ClinVar aggregate classification (germline): Uncertain significance (1 of 4 stars; one submission).

Submission:

GeneDx
Classification: Uncertain significance. Last evaluated: 2024-12-21. Review status: criteria provided, single submitter. Criteria: GeneDx Variant Classification Process June 2021. Collection method: clinical testing. Allele origin: germline. Affected: yes.
Comment: Not observed at significant frequency in large population cohorts (gnomAD); In silico analysis supports that this missense variant has a deleterious effect on protein structure/function; Has not been previously published as pathogenic or benign to our knowledge